The following is an entry in ClinVar:

ClinVar aggregate classification (germline): Uncertain significance (1 of 4 stars; one submission).

Allele frequency attached by ClinVar (database versions not stated): TOPMed below 0.00001; gnomAD 0.00001.
gnomAD v4.1: 1 of 1,613,666 alleles (0.000062%); highest among the groups gnomAD compares: Admixed American, 0.0017%; no homozygotes.

Submission:

GeneDx
Classification: Uncertain significance. Last evaluated: 2021-06-14. Review status: criteria provided, single submitter. Criteria: GeneDx Variant Classification Process June 2021. Collection method: clinical testing. Allele origin: germline. Affected: yes.
Comment: Not observed at significant frequency in large population cohorts (Lek et al., 2016); In silico analysis supports that this missense variant does not alter protein structure/function; Has not been previously published as pathogenic or benign to our knowledge; This variant is associated with the following publications: (PMID: 27535533)

NM_007215.4(POLG2):c.176C>A (p.Ala59Asp)

Genes: MILR1 (mast cell immunoglobulin like receptor 1; plus strand), POLG2 (DNA polymerase gamma 2, accessory subunit; minus strand). Cytogenetic location: 17q23.3.
Variant type: single nucleotide variant.
Coding change: c.176C>A on transcript NM_007215.4 (MANE Select); coding-DNA position 176, C replaced by A.
Protein change: p.Ala59Asp; replaces alanine 59 with aspartic acid.
Molecular consequence: missense variant.
Genome position (GRCh38, 1-based): chr17:64,496,793, G>T on the plus strand (C>A on the coding strand, the complement: POLG2 is on the minus strand). VCF-style: chr17-64496793-G-T. GRCh37 (hg19) VCF-style: chr17-62492911-G-T.
Other names: short protein forms A59D.
Identifiers: ClinVar variation 1328562 (VCV001328562.2), dbSNP rs1169327234, ClinGen allele CA400641487.
Genomic context (GRCh38, chr17:64,496,793, plus strand): 5'-AGGAAATGCCTTCTCTGACAGATCTCTAACAGCGCCTCGCTTCCCTCTCCAGACCCGGGG[G>T]CTTCTGGGTGCTCGCCGTTCCCCTCGAGCTCCGCGTGCGACTTCACATGCCCTCCTTTGG-3'
Protein context (NP_009146.2, residues 49-69): ELEGNGEHPE[Ala59Asp]PGSGEGSEAL